The following is an entry in ClinVar:

ClinVar aggregate classification (germline): Uncertain significance (1 of 4 stars; one submission).

gnomAD v4.1: 6 of 1,614,150 alleles (0.00037%); highest among the groups gnomAD compares: Non-Finnish European, 0.00034%; no homozygotes.

Submission:

Athena Diagnostics
Classification: Uncertain significance. Last evaluated: 2023-12-15. Review status: criteria provided, single submitter. Criteria: Athena Diagnostics Criteria. Collection method: clinical testing. Allele origin: unknown.
Comment: Available data are insufficient to determine the clinical significance of the variant at this time. This variant has not been reported in large, multi-ethnic general populations. Computational tools predict that this variant is damaging.

NM_015346.4(ZFYVE26):c.5525T>C (p.Val1842Ala)

Gene: ZFYVE26 (zinc finger FYVE-type containing 26; minus strand). Cytogenetic location: 14q24.1.
Variant type: single nucleotide variant.
Coding change: c.5525T>C on transcript NM_015346.4 (MANE Select); coding-DNA position 5525, T replaced by C.
Protein change: p.Val1842Ala; replaces valine 1842 with alanine.
Molecular consequence: missense variant.
Genome position (GRCh38, 1-based): chr14:67,769,690, A>G on the plus strand (T>C on the coding strand, the complement: ZFYVE26 is on the minus strand). VCF-style: chr14-67769690-A-G. GRCh37 (hg19) VCF-style: chr14-68236407-A-G.
Other names: short protein forms V1842A.
Identifiers: ClinVar variation 3571654 (VCV003571654.1).